The following is an entry in ClinVar:

NM_173086.5(KRT6C):c.169G>C (p.Gly57Arg)

Gene: KRT6C (keratin 6C; minus strand). Cytogenetic location: 12q13.13.
Variant type: single nucleotide variant.
Coding change: c.169G>C on transcript NM_173086.5 (MANE Select); coding-DNA position 169, G replaced by C.
Protein change: p.Gly57Arg; replaces glycine 57 with arginine.
Molecular consequence: missense variant.
Genome position (GRCh38, 1-based): chr12:52,473,569, C>G on the plus strand (G>C on the coding strand, the complement: KRT6C is on the minus strand). VCF-style: chr12-52473569-C-G. GRCh37 (hg19) VCF-style: chr12-52867353-C-G.
Other names: short protein forms G57R.
Identifiers: ClinVar variation 2446576 (VCV002446576.2), dbSNP rs1430977110, ClinGen allele CA384946904.
Genomic context (GRCh38, chr12:52,473,569, plus strand): 5'-AGCTGCCCCCTCCAATGGAGATCCTCTTGGAGCCCCCCAGGCCATACAGACTGCGGCTGC[C>G]AAAGCCAGCTCCTCCACATGCACCACCCAGGCCACCACTGCCCCTGGAGCGGGACACGGA-3'
Protein context (NP_775109.2, residues 47-67): LGGACGGAGF[Gly57Arg]SRSLYGLGGS

ClinVar aggregate classification (germline): Uncertain significance. Review status: criteria provided, multiple submitters, no conflicts (2 of 4 stars). 2 submissions from 2 submitters: Uncertain significance (2). Last evaluated 2024-08-21.

Conditions:
Inborn genetic diseases. Identifiers: MedGen C0950123, MeSH D030342.

Submissions (2):

Ambry Genetics
Classification: Uncertain significance for Inborn genetic diseases. Last evaluated: 2024-08-21. Review status: criteria provided, single submitter. Criteria: Ambry Variant Classification Scheme 2023. Collection method: clinical testing. Allele origin: germline.

GeneDx
Classification: Uncertain significance. Last evaluated: 2022-09-28. Review status: criteria provided, single submitter. Criteria: GeneDx Variant Classification Process June 2021. Collection method: clinical testing. Allele origin: germline. Affected: yes.
Comment: In silico analysis supports that this missense variant has a deleterious effect on protein structure/function; Missense variants in this gene are often considered pathogenic (HGMD); Has not been previously published as pathogenic or benign to our knowledge